The following is an entry in ClinVar:

ClinVar aggregate classification (germline): Uncertain significance (1 of 4 stars; one submission).

gnomAD v4.1: 1 of 1,210,018 alleles (0.000083%); highest among the groups gnomAD compares: African/African-American, 0.0017%; no homozygotes.

Submission:

GeneDx
Classification: Uncertain significance. Last evaluated: 2026-07-08. Review status: criteria provided, single submitter. Criteria: GeneDx Variant Classification Process June 2021. Collection method: clinical testing. Allele origin: germline.
Comment: Not observed at significant frequency in large population cohorts (gnomAD); In silico analysis suggests that this missense variant does not alter protein structure/function; Has not been previously published as pathogenic or benign to our knowledge

NM_001330574.2(ZNF711):c.388G>A (p.Val130Met)

Gene: ZNF711 (ZFX family zinc finger ZNF711; plus strand). Cytogenetic location: Xq21.1.
Variant type: single nucleotide variant.
Coding change: c.388G>A on transcript NM_001330574.2 (MANE Select); coding-DNA position 388, G replaced by A.
Protein change: p.Val130Met; replaces valine 130 with methionine.
Molecular consequence: missense variant.
Genome position (GRCh38, 1-based): chrX:85,255,567, G>A. VCF-style: chrX-85255567-G-A. GRCh37 (hg19) VCF-style: chrX-84510573-G-A.
Other names: c.388G>A, p.Val130Met (NM_001375431.1, NM_001375432.1, NM_001375433.1 and 5 more transcripts); short protein forms V130M.
Identifiers: ClinVar variation 4529931 (VCV004529931.2).